The following is an entry in ClinVar:

ClinVar aggregate classification (germline): Uncertain significance (1 of 4 stars; one submission).

Conditions:
Mucopolysaccharidosis type 1. Also called: IDUA deficiency; MPS I. Identifiers: Orphanet 579, MedGen C0023786, MONDO:0001586.

Submission:

Labcorp Genetics (formerly Invitae), Labcorp
Classification: Uncertain significance for Mucopolysaccharidosis type 1. Last evaluated: 2022-03-29. Review status: criteria provided, single submitter. Criteria: Invitae Variant Classification Sherloc (09022015). Collection method: clinical testing. Allele origin: germline.
Comment: This sequence change replaces tryptophan, which is neutral and slightly polar, with leucine, which is neutral and non-polar, at codon 306 of the IDUA protein (p.Trp306Leu). This variant is not present in population databases (gnomAD no frequency). This missense change has been observed in individual(s) with mucopolysaccharidosis type I (PMID: 21394825). Advanced modeling of protein sequence and biophysical properties (such as structural, functional, and spatial information, amino acid conservation, physicochemical variation, residue mobility, and thermodynamic stability) performed at Invitae indicates that this missense variant is expected to disrupt IDUA protein function. In summary, the available evidence is currently insufficient to determine the role of this variant in disease. Therefore, it has been classified as a Variant of Uncertain Significance.

Literature cited by the submitters: PubMed 21394825.

NM_000203.5(IDUA):c.917G>T (p.Trp306Leu)

Gene: IDUA (alpha-L-iduronidase; plus strand). Cytogenetic location: 4p16.3.
Variant type: single nucleotide variant.
Coding change: c.917G>T on transcript NM_000203.5 (MANE Select); coding-DNA position 917, G replaced by T.
Protein change: p.Trp306Leu; replaces tryptophan 306 with leucine.
Molecular consequence: missense variant. On other transcripts: non-coding transcript variant (1).
Genome position (GRCh38, 1-based): chr4:1,002,106, G>T. VCF-style: chr4-1002106-G-T. GRCh37 (hg19) VCF-style: chr4-995894-G-T.
Other names: c.521G>T, p.Trp174Leu (NM_001363576.1); short protein forms W174L, W306L.
Identifiers: ClinVar variation 2203497 (VCV002203497.1), dbSNP rs2534087842, ClinGen allele CA355962596.
Genomic context (GRCh38, chr4:1,002,106, plus strand): 5'-TCTTCCCCAAGTTCGCGGACACCCCCATTTACAACGACGAGGCGGACCCGCTGGTGGGCT[G>T]GTCCCTGCCACAGCCGTGGAGGGCGGACGTGACCTACGCGGCCATGGTGGTGAAGGTGGG-3'
Protein context (NP_000194.2, residues 296-316): YNDEADPLVG[Trp306Leu]SLPQPWRADV